The following is an entry in ClinVar:

NM_001365088.1(SLC12A6):c.2186G>A (p.Gly729Asp)

Gene: SLC12A6 (solute carrier family 12 member 6; minus strand). Cytogenetic location: 15q14.
Variant type: single nucleotide variant.
Coding change: c.2186G>A on transcript NM_001365088.1 (MANE Select); coding-DNA position 2186, G replaced by A.
Protein change: p.Gly729Asp; replaces glycine 729 with aspartic acid.
Molecular consequence: missense variant.
Genome position (GRCh38, 1-based): chr15:34,241,314, C>T on the plus strand (G>A on the coding strand, the complement: SLC12A6 is on the minus strand). VCF-style: chr15-34241314-C-T. GRCh37 (hg19) VCF-style: chr15-34533515-C-T.
Other names: c.2009G>A, p.Gly670Asp (NM_001042494.2, NM_001042495.2); c.2159G>A, p.Gly720Asp (NM_001042496.2); c.2141G>A, p.Gly714Asp (NM_001042497.2); c.2033G>A, p.Gly678Asp (NM_005135.2); c.2186G>A, p.Gly729Asp (NM_133647.2); short protein forms G729D, G714D, G720D, G670D, G678D.
Identifiers: ClinVar variation 3644451 (VCV003644451.2).

ClinVar aggregate classification (germline): Uncertain significance (1 of 4 stars; one submission).

Submission:

Labcorp Genetics (formerly Invitae), Labcorp
Classification: Uncertain significance. Last evaluated: 2024-11-21. Review status: criteria provided, single submitter. Criteria: Invitae Variant Classification Sherloc (09022015). Collection method: clinical testing. Allele origin: germline.
Comment: This sequence change replaces glycine, which is neutral and non-polar, with aspartic acid, which is acidic and polar, at codon 729 of the SLC12A6 protein (p.Gly729Asp). This variant is not present in population databases (gnomAD no frequency). This variant has not been reported in the literature in individuals affected with SLC12A6-related conditions. Invitae Evidence Modeling of protein sequence and biophysical properties (such as structural, functional, and spatial information, amino acid conservation, physicochemical variation, residue mobility, and thermodynamic stability) indicates that this missense variant is expected to disrupt SLC12A6 protein function with a positive predictive value of 80%. In summary, the available evidence is currently insufficient to determine the role of this variant in disease. Therefore, it has been classified as a Variant of Uncertain Significance.